The following is an entry in ClinVar:

NM_001429.4(EP300):c.6759A>G (p.Ala2253=)

Gene: EP300 (E1A binding protein p300; plus strand). Cytogenetic location: 22q13.2.
Variant type: single nucleotide variant.
Coding change: c.6759A>G on transcript NM_001429.4 (MANE Select); coding-DNA position 6759, A replaced by G.
Protein change: p.Ala2253=; no amino-acid change (alanine 2253 retained).
Molecular consequence: synonymous variant.
Genome position (GRCh38, 1-based): chr22:41,178,470, A>G. VCF-style: chr22-41178470-A-G. GRCh37 (hg19) VCF-style: chr22-41574474-A-G.
Other names: c.6681A>G, p.Ala2227= (NM_001362843.2).
Identifiers: ClinVar variation 3356040 (VCV003356040.1).

ClinVar aggregate classification (germline): Likely benign (0 of 4 stars; one submission).

Conditions:
EP300-related disorder. Also called: EP300-related disorders; EP300-related condition.

gnomAD v4.1: 1 of 1,614,112 alleles (0.000062%); highest among the groups gnomAD compares: Admixed American, 0.0017%; no homozygotes.

Submission:

PreventionGenetics, part of Exact Sciences
Classification: Likely benign for EP300-related condition. Last evaluated: 2023-06-22. Review status: no assertion criteria provided. Collection method: clinical testing. Allele origin: germline.
Comment: This variant is classified as likely benign based on ACMG/AMP sequence variant interpretation guidelines (Richards et al. 2015 PMID: 25741868, with internal and published modifications).